The following is an entry in ClinVar:

NM_001844.5(COL2A1):c.3802A>G (p.Ser1268Gly)

Gene: COL2A1 (collagen type II alpha 1 chain; minus strand). Cytogenetic location: 12q13.11.
Variant type: single nucleotide variant.
Coding change: c.3802A>G on transcript NM_001844.5 (MANE Select); coding-DNA position 3802, A replaced by G.
Protein change: p.Ser1268Gly; replaces serine 1268 with glycine.
Molecular consequence: missense variant.
Genome position (GRCh38, 1-based): chr12:47,975,401, T>C on the plus strand (A>G on the coding strand, the complement: COL2A1 is on the minus strand). VCF-style: chr12-47975401-T-C. GRCh37 (hg19) VCF-style: chr12-48369184-T-C.
Other names: c.3595A>G, p.Ser1199Gly (NM_033150.3); c.3802A>G (NM_001844.4); short protein forms S1199G, S1268G.
Identifiers: ClinVar variation 1482645 (VCV001482645.5), dbSNP rs374360275, ClinGen allele CA6534639.

ClinVar aggregate classification (germline): Uncertain significance. Review status: criteria provided, multiple submitters, no conflicts (2 of 4 stars). 2 submissions from 2 submitters: Uncertain significance (2). Last evaluated 2026-09-01.

Conditions:
COL2A1-related disorder. Also called: COL2A1-related condition; COL2A1-related disorders.

Allele frequency attached by ClinVar (database versions not stated): gnomAD exomes 0.00001; ESP Exome Variant Server 0.00008.
gnomAD v4.1: 13 of 1,614,188 alleles (0.00081%); highest among the groups gnomAD compares: East Asian, 0.02%; no homozygotes.

Submissions (2):

PreventionGenetics, part of Exact Sciences
Classification: Uncertain significance for COL2A1-related condition. Last evaluated: 2026-09-01. Review status: criteria provided, single submitter. Criteria: ACMG Guidelines, 2015. Collection method: clinical testing. Allele origin: germline.
Comment: The COL2A1 c.3802A>G variant is predicted to result in the amino acid substitution p.Ser1268Gly. To our knowledge, this variant has not been reported in the literature. This variant is reported in 0.023% of alleles in individuals of African descent in gnomAD. At this time, the clinical significance of this variant is uncertain due to the absence of conclusive functional and genetic evidence.

Labcorp Genetics (formerly Invitae), Labcorp
Classification: Uncertain significance. Last evaluated: 2023-11-10. Review status: criteria provided, single submitter. Criteria: Invitae Variant Classification Sherloc (09022015). Collection method: clinical testing. Allele origin: germline.
Comment: This sequence change replaces serine, which is neutral and polar, with glycine, which is neutral and non-polar, at codon 1268 of the COL2A1 protein (p.Ser1268Gly). The frequency data for this variant in the population databases is considered unreliable, as metrics indicate poor data quality at this position in the gnomAD database. This variant has not been reported in the literature in individuals affected with COL2A1-related conditions. ClinVar contains an entry for this variant (Variation ID: 1482645). Advanced modeling of protein sequence and biophysical properties (such as structural, functional, and spatial information, amino acid conservation, physicochemical variation, residue mobility, and thermodynamic stability) performed at Invitae indicates that this missense variant is not expected to disrupt COL2A1 protein function with a negative predictive value of 95%. In summary, the available evidence is currently insufficient to determine the role of this variant in disease. Therefore, it has been classified as a Variant of Uncertain Significance.